The following is an entry in ClinVar:

ClinVar aggregate classification (germline): Uncertain significance. Review status: criteria provided, multiple submitters, no conflicts (2 of 4 stars). 3 submissions from 3 submitters: Uncertain significance (3). Last evaluated 2024-12-16.

Conditions:
Frasier syndrome. Identifiers: Orphanet 347, MedGen C0950122, MeSH D052159, MONDO:0007635, OMIM 136680.
Wilms tumor 1 (WT1). Also called: Wilms tumor, somatic. Identifiers: Orphanet 654, MedGen CN033288, MONDO:0008679, OMIM 194070.
Drash syndrome (DDS). Also called: WILMS TUMOR AND PSEUDO- OR TRUE HERMAPHRODITISM; NEPHROPATHY, WILMS TUMOR, AND GENITAL ANOMALIES. Identifiers: Orphanet 220, MedGen C0950121, MONDO:0008682, OMIM 194080.
11p partial monosomy syndrome (WAGR). Also called: WAGR Complex; CHROMOSOME 11p13 DELETION SYNDROME; WAGR Spectrum Disorder; WAGR syndrome. Identifiers: Orphanet 893, MedGen C0206115, MONDO:0008681, OMIM 194072.
Inborn genetic diseases. Identifiers: MedGen C0950123, MeSH D030342.

Allele frequency attached by ClinVar (database versions not stated): gnomAD 0.00001; gnomAD exomes 0.00001; TOPMed 0.00001.
gnomAD v4.1: 18 of 1,488,482 alleles (0.0012%); highest among the groups gnomAD compares: Non-Finnish European, 0.0016%; no homozygotes.

Submissions (3):

Ambry Genetics
Classification: Uncertain significance for Inborn genetic diseases. Last evaluated: 2024-12-16. Review status: criteria provided, single submitter. Criteria: Ambry Variant Classification Scheme 2023. Collection method: clinical testing. Allele origin: germline.
Comment: The p.G112D variant (also known as c.335G>A), located in coding exon 1 of the WT1 gene, results from a G to A substitution at nucleotide position 335. The glycine at codon 112 is replaced by aspartic acid, an amino acid with similar properties. This amino acid position is conserved. In addition, this alteration is predicted to be tolerated by in silico analysis. Based on the available evidence, the clinical significance of this variant remains unclear.

All of Us Research Program, National Institutes of Health
Classification: Uncertain significance for Wilms tumor 1. Last evaluated: 2023-06-28. Review status: criteria provided, single submitter. Criteria: ACMG Guidelines, 2015. Collection method: clinical testing. Allele origin: germline. Inheritance: Autosomal dominant inheritance. Observed: 5 variant alleles, 5 heterozygotes.
Comment: This missense variant replaces glycine with aspartic acid at codon 112 of the WT1 protein. Computational prediction suggests that this variant may not impact protein structure and function (internally defined REVEL score threshold <= 0.5, PMID: 27666373). To our knowledge, functional studies have not been reported for this variant. This variant has not been reported in individuals affected with hereditary cancer in the literature. This variant has been identified in 1/84630 chromosomes in the general population by the Genome Aggregation Database (gnomAD). The available evidence is insufficient to determine the role of this variant in disease conclusively. Therefore, this variant is classified as a Variant of Uncertain Significance.

This study involves interpretation of variants in research participants for the purpose of population health screening. Participant phenotype was not available at the time of variant classification. Additional details can be found in publication PMID: 35346344, PMCID: PMC8962531

Labcorp Genetics (formerly Invitae), Labcorp
Classification: Uncertain significance for Wilms tumor 1; Drash syndrome; 11p partial monosomy syndrome; Frasier syndrome. Last evaluated: 2022-04-28. Review status: criteria provided, single submitter. Criteria: Invitae Variant Classification Sherloc (09022015). Collection method: clinical testing. Allele origin: germline.
Comment: This sequence change replaces glycine, which is neutral and non-polar, with aspartic acid, which is acidic and polar, at codon 112 of the WT1 protein (p.Gly112Asp). The frequency data for this variant in the population databases is considered unreliable, as metrics indicate poor data quality at this position in the gnomAD database. This variant has not been reported in the literature in individuals affected with WT1-related conditions. ClinVar contains an entry for this variant (Variation ID: 1024394). Algorithms developed to predict the effect of missense changes on protein structure and function are either unavailable or do not agree on the potential impact of this missense change (SIFT: "Tolerated"; PolyPhen-2: "Probably Damaging"; Align-GVGD: "Class C0"). In summary, the available evidence is currently insufficient to determine the role of this variant in disease. Therefore, it has been classified as a Variant of Uncertain Significance.

NM_024426.6(WT1):c.350G>A (p.Gly117Asp)

Genes: WT1 (WT1 transcription factor; minus strand), LOC107982234 (WT1/WT1-AS bi-directional promoter region; plus strand). Cytogenetic location: 11p13.
Variant type: single nucleotide variant.
Coding change: c.350G>A on transcript NM_024426.6 (MANE Select); coding-DNA position 350, G replaced by A.
Protein change: p.Gly117Asp; replaces glycine 117 with aspartic acid.
Molecular consequence: missense variant. On other transcripts: non-coding transcript variant (1).
Genome position (GRCh38, 1-based): chr11:32,435,011, C>T on the plus strand (G>A on the coding strand, the complement: WT1 is on the minus strand). VCF-style: chr11-32435011-C-T. GRCh37 (hg19) VCF-style: chr11-32456557-C-T.
Other names: c.350G>A, p.Gly117Asp (NM_000378.6, NM_024424.5); c.335G>A (NM_024426.4); short protein forms G117D.
Identifiers: ClinVar variation 1024394 (VCV001024394.11), dbSNP rs939385459, ClinGen allele CA219511109.